The following is an entry in ClinVar:

ClinVar aggregate classification (germline): Conflicting classifications of pathogenicity. Review status: criteria provided, conflicting classifications (1 of 4 stars). 3 submissions from 3 submitters: Uncertain significance (1); Likely benign (2). Last evaluated 2025-05-12.

Conditions:
Hereditary cancer-predisposing syndrome. Also called: Tumor predisposition; Hereditary Cancer Syndrome; Neoplastic Syndromes, Hereditary; Hereditary neoplastic syndrome. Identifiers: Orphanet 140162, MedGen C0027672, MeSH D009386, MONDO:0015356.

Submissions (3):

Quest Diagnostics Nichols Institute San Juan Capistrano
Classification: Uncertain significance. Last evaluated: 2025-05-12. Review status: criteria provided, single submitter. Criteria: Quest Diagnostics criteria. Collection method: clinical testing. Allele origin: unknown.
Comment: The RAD50 c.280_282delinsCTG (p.Ile94Leu) variant has not been reported in individuals with RAD50-related conditions in the published literature. It also has not been reported in large, multi-ethnic general populations (Genome Aggregation Database). Based on the available information, we are unable to determine the clinical significance of this variant.

Ambry Genetics
Classification: Likely benign for Hereditary cancer-predisposing syndrome. Last evaluated: 2019-04-23. Review status: criteria provided, single submitter. Criteria: Ambry Variant Classification Scheme 2023. Collection method: clinical testing. Allele origin: germline.

Labcorp Genetics (formerly Invitae), Labcorp
Classification: Likely benign for Hereditary cancer-predisposing syndrome. Last evaluated: 2018-09-28. Review status: criteria provided, single submitter. Criteria: Invitae Variant Classification Sherloc (09022015). Collection method: clinical testing. Allele origin: germline.

NM_005732.4(RAD50):c.280_282delinsCTG (p.Ile94Leu)

Gene: RAD50 (RAD50 double strand break repair protein; plus strand). Cytogenetic location: 5q31.1.
Variant type: Indel.
Coding change: c.280_282delinsCTG on transcript NM_005732.4 (MANE Select); coding-DNA positions 280 to 282, ATA replaced by CTG.
Protein change: p.Ile94Leu; replaces isoleucine 94 with leucine.
Molecular consequence: missense variant.
Genome position (GRCh38, 1-based): chr5:132,575,843-132,575,845, ATA replaced by CTG. VCF-style: chr5-132575843-ATA-CTG. GRCh37 (hg19) VCF-style: chr5-131911535-ATA-CTG.
Other names: c.280_282delATAinsCTG (NM_005732.3); c.280_282delinsCTG (NM_005732.3); short protein forms I94L.
Identifiers: ClinVar variation 821832 (VCV000821832.6), dbSNP rs1580985060, ClinGen allele CA915943532.